The following is an entry in ClinVar:

NM_001943.5(DSG2):c.647A>G (p.Asp216Gly)

Gene: DSG2 (desmoglein 2; plus strand). Cytogenetic location: 18q12.1.
Variant type: single nucleotide variant.
Coding change: c.647A>G on transcript NM_001943.5 (MANE Select); coding-DNA position 647, A replaced by G.
Protein change: p.Asp216Gly; replaces aspartic acid 216 with glycine.
Molecular consequence: missense variant.
Genome position (GRCh38, 1-based): chr18:31,522,206, A>G. VCF-style: chr18-31522206-A-G. GRCh37 (hg19) VCF-style: chr18-29102169-A-G.
Other names: short protein forms D216G.
Identifiers: ClinVar variation 4757872 (VCV004757872.1).

ClinVar aggregate classification (germline): Uncertain significance (1 of 4 stars; one submission).

Conditions:
Cardiomyopathy (CMYO). Also called: Cardiomyopathies. Identifiers: Orphanet 167848, MedGen C0878544, MONDO:0004994, HP:0001638. Inheritance: Various modes of inheritance.

gnomAD v4.1: 1 of 1,613,894 alleles (0.000062%); highest among the groups gnomAD compares: Admixed American, 0.0017%; no homozygotes.

Submission:

Color Diagnostics, LLC DBA Color Health
Classification: Uncertain significance for Cardiomyopathy. Last evaluated: 2025-08-14. Review status: criteria provided, single submitter. Criteria: ACMG Guidelines, 2015. Collection method: clinical testing. Allele origin: germline.
Comment: This missense variant replaces aspartic acid with glycine at codon 216 of the DSG2 protein. Computational prediction suggests that this variant may not impact protein structure and function. To our knowledge, functional studies have not been reported for this variant. This variant has not been reported in individuals affected with DSG2-related disorders in the literature. This variant has been identified in 1/249452 chromosomes in the general population by the Genome Aggregation Database (gnomAD). The available evidence is insufficient to determine the role of this variant in disease conclusively. Therefore, this variant is classified as a Variant of Uncertain Significance.